The following is an entry in ClinVar:

NM_033109.5(PNPT1):c.406C>A (p.Arg136Ser)

Gene: PNPT1 (polyribonucleotide nucleotidyltransferase 1; minus strand). Cytogenetic location: 2p16.1.
Variant type: single nucleotide variant.
Coding change: c.406C>A on transcript NM_033109.5 (MANE Select); coding-DNA position 406, C replaced by A.
Protein change: p.Arg136Ser; replaces arginine 136 with serine.
Molecular consequence: missense variant.
Genome position (GRCh38, 1-based): chr2:55,683,832, G>T on the plus strand (C>A on the coding strand, the complement: PNPT1 is on the minus strand). VCF-style: chr2-55683832-G-T. GRCh37 (hg19) VCF-style: chr2-55910967-G-T.
Other names: short protein forms R136S.
Identifiers: ClinVar variation 1958102 (VCV001958102.5), dbSNP rs775717775, ClinGen allele CA346940138.
Genomic context (GRCh38, chr2:55,683,832, plus strand): 5'-AAGCAGAATCTACCTGTGTATCATAGAAGTAGCCAGCTGGAAAGAGCGGTCTAATTGAAC[G>T]ATCTGCCAAAAGAAAAAAAAACACATTAAACCGTACTGACAGAGTTGCTTTACAGTTCAA-3'
Protein context (NP_149100.2, residues 126-146): KEILTSRIID[Arg136Ser]SIRPLFPAGY

ClinVar aggregate classification (germline): Uncertain significance (1 of 4 stars; one submission).

Submission:

Labcorp Genetics (formerly Invitae), Labcorp
Classification: Uncertain significance. Last evaluated: 2022-03-19. Review status: criteria provided, single submitter. Criteria: Invitae Variant Classification Sherloc (09022015). Collection method: clinical testing. Allele origin: germline.
Comment: In summary, the available evidence is currently insufficient to determine the role of this variant in disease. Therefore, it has been classified as a Variant of Uncertain Significance. This variant disrupts the p.Arg136 amino acid residue in PNPT1. Other variant(s) that disrupt this residue have been determined to be pathogenic (PMID: 28645153, 30046113). This suggests that this residue is clinically significant, and that variants that disrupt this residue are likely to be disease-causing. Algorithms developed to predict the effect of sequence changes on RNA splicing suggest that this variant may create or strengthen a splice site. Algorithms developed to predict the effect of missense changes on protein structure and function (SIFT, PolyPhen-2, Align-GVGD) all suggest that this variant is likely to be disruptive. This variant has not been reported in the literature in individuals affected with PNPT1-related conditions. This variant is present in population databases (no rsID available, gnomAD 0.007%). This sequence change replaces arginine, which is basic and polar, with serine, which is neutral and polar, at codon 136 of the PNPT1 protein (p.Arg136Ser).

Literature cited by the submitters: PubMed 28645153; PubMed 30046113.